The following is an entry in ClinVar:

NM_001377.3(DYNC2H1):c.2703-2A>G

Gene: DYNC2H1 (dynein cytoplasmic 2 heavy chain 1; plus strand). Cytogenetic location: 11q22.3.
Variant type: single nucleotide variant.
Coding change: c.2703-2A>G on transcript NM_001377.3 (MANE Select); the canonical splice acceptor site of the intron before coding-DNA position 2703, A replaced by G.
Molecular consequence: splice acceptor variant.
Genome position (GRCh38, 1-based): chr11:103,147,770, A>G. VCF-style: chr11-103147770-A-G. GRCh37 (hg19) VCF-style: chr11-103018499-A-G.
Other names: c.2703-2A>G (NM_001080463.2).
Identifiers: ClinVar variation 2860916 (VCV002860916.3), dbSNP rs2497000253, ClinGen allele CA382265926.

ClinVar aggregate classification (germline): Likely pathogenic (1 of 4 stars; one submission).

Conditions:
Jeune thoracic dystrophy. Also called: Jeune syndrome; Infantile thoracic dystrophy; Thoracic pelvic phalangeal dystrophy; Jeune's syndrome; Chondroectodermal dysplasia-like syndrome; Short-rib thoracic dysplasia. Identifiers: Orphanet 474, MedGen C0265275, MONDO:0018770.

Submission:

Labcorp Genetics (formerly Invitae), Labcorp
Classification: Likely pathogenic for Jeune thoracic dystrophy. Last evaluated: 2023-04-30. Review status: criteria provided, single submitter. Criteria: Invitae Variant Classification Sherloc (09022015). Collection method: clinical testing. Allele origin: germline.
Comment: In summary, the currently available evidence indicates that the variant is pathogenic, but additional data are needed to prove that conclusively. Therefore, this variant has been classified as Likely Pathogenic. Algorithms developed to predict the effect of sequence changes on RNA splicing suggest that this variant may disrupt the consensus splice site. This variant has not been reported in the literature in individuals affected with DYNC2H1-related conditions. This variant is not present in population databases (gnomAD no frequency). This sequence change affects an acceptor splice site in intron 18 of the DYNC2H1 gene. It is expected to disrupt RNA splicing. Variants that disrupt the donor or acceptor splice site typically lead to a loss of protein function (PMID: 16199547), and loss-of-function variants in DYNC2H1 are known to be pathogenic (PMID: 23339108, 32753734).

Literature cited by the submitters: PubMed 16199547; PubMed 23339108; PubMed 32753734.